The following is an entry in ClinVar:

NM_001139.3(ALOX12B):c.1349G>A (p.Gly450Glu)

Gene: ALOX12B (arachidonate 12-lipoxygenase, 12R type; minus strand). Cytogenetic location: 17p13.1.
Variant type: single nucleotide variant.
Coding change: c.1349G>A on transcript NM_001139.3 (MANE Select); coding-DNA position 1349, G replaced by A.
Protein change: p.Gly450Glu; replaces glycine 450 with glutamic acid.
Molecular consequence: missense variant.
Genome position (GRCh38, 1-based): chr17:8,076,670, C>T on the plus strand (G>A on the coding strand, the complement: ALOX12B is on the minus strand). VCF-style: chr17-8076670-C-T. GRCh37 (hg19) VCF-style: chr17-7979988-C-T.
Other names: short protein forms G450E.
Identifiers: ClinVar variation 995744 (VCV000995744.3), dbSNP rs772257172, ClinGen allele CA397991213.

ClinVar aggregate classification (germline): Uncertain significance. Review status: criteria provided, single submitter (1 of 4 stars). 2 submissions from 2 submitters: Uncertain significance (1). 1 of the submissions does not count toward it. Last evaluated 2024-08-21.

Conditions:
Autosomal recessive congenital ichthyosis 2 (ARCI2). Identifiers: Orphanet 281122, Orphanet 79394, MedGen C3888093, MONDO:0009439, OMIM 242100.

Allele frequency attached by ClinVar (database versions not stated): TOPMed 0.00002.
gnomAD v4.1: 14 of 1,551,262 alleles (0.0009%); highest among the groups gnomAD compares: Non-Finnish European, 0.0012%; no homozygotes.

Submissions (2):

Women's Health and Genetics/Laboratory Corporation of America, LabCorp
Classification: Uncertain significance. Last evaluated: 2024-08-21. Review status: criteria provided, single submitter. Criteria: LabCorp Variant Classification Summary - May 2015. Collection method: clinical testing. Allele origin: germline.
Comment: Variant summary: ALOX12B c.1349G>A (p.Gly450Glu) results in a non-conservative amino acid change located in the Lipoxygenase, C-terminal domain (IPR013819) of the encoded protein sequence. Five of five in-silico tools predict a damaging effect of the variant on protein function. The frequency data for this variant in gnomAD is considered unreliable, as metrics indicate poor data quality at this position. c.1349G>A has been reported in the literature in at-least one individual affected with Autosomal recessive congenital ichthyosis (example: Hotz_2021). These data do not allow any conclusion about variant significance. To our knowledge, no experimental evidence demonstrating an impact on protein function has been reported. The following publication has been ascertained in the context of this evaluation (PMID: 33435499). ClinVar contains an entry for this variant (Variation ID: 995744). Based on the evidence outlined above, the variant was classified as uncertain significance.

Institute for Human Genetics, University Medical Center Freiburg
Classification: Pathogenic for Autosomal recessive congenital ichthyosis 2. Last evaluated: 2021-01-07. Review status: no assertion criteria provided. Collection method: clinical testing. Allele origin: unknown. Affected: yes. Not counted in ClinVar's aggregate classification.

Literature cited by the submitters: PubMed 33435499 (cited by Women's Health and Genetics/Laboratory Corporation of America, LabCorp).